The following is an entry in ClinVar:

NM_177924.5(ASAH1):c.667C>T (p.Leu223=)

Gene: ASAH1 (N-acylsphingosine amidohydrolase 1; minus strand). Cytogenetic location: 8p22.
Variant type: single nucleotide variant.
Coding change: c.667C>T on transcript NM_177924.5 (MANE Select); coding-DNA position 667, C replaced by T.
Protein change: p.Leu223=; no amino-acid change (leucine 223 retained).
Molecular consequence: synonymous variant.
Genome position (GRCh38, 1-based): chr8:18,061,722, G>A on the plus strand (C>T on the coding strand, the complement: ASAH1 is on the minus strand). VCF-style: chr8-18061722-G-A. GRCh37 (hg19) VCF-style: chr8-17919231-G-A.
Other names: c.649C>T, p.Leu217= (NM_001127505.3); c.472C>T, p.Leu158= (NM_001363743.2); c.715C>T, p.Leu239= (NM_004315.6).
Identifiers: ClinVar variation 1580263 (VCV001580263.34), dbSNP rs371332103, ClinGen allele CA4650730.

ClinVar aggregate classification (germline): Likely benign. Review status: criteria provided, multiple submitters, no conflicts (2 of 4 stars). 4 submissions from 4 submitters: Likely benign (4). Last evaluated 2026-01-06.

Conditions:
Spinal muscular atrophy-progressive myoclonic epilepsy syndrome. Also called: Spinal muscular atrophy with progressive myoclonic epilepsy; Hereditary myoclonus and progressive distal muscular atrophy; Spinal Muscular Atrophy with Progressive Myoclonic Epilepsy (SMA-PME); MYOCLONUS, HEREDITARY, WITH PROGRESSIVE DISTAL MUSCULAR ATROPHY. Identifiers: Orphanet 2590, MedGen C1834569, MONDO:0008045, OMIM 159950.
Farber lipogranulomatosis (FRBRL). Also called: AC DEFICIENCY; ACID CERAMIDASE DEFICIENCY; CERAMIDASE DEFICIENCY; N-LAURYLSPHINGOSINE DEACYLASE DEFICIENCY; Farber's lipogranulomatosis; Farber's disease. Identifiers: Orphanet 333, MedGen C0268255, MONDO:0009218, OMIM 228000.

Allele frequency attached by ClinVar (database versions not stated): ExAC 0.00009; ESP Exome Variant Server 0.00015.
gnomAD v4.1: 384 of 1,579,952 alleles (0.024%); highest among the groups gnomAD compares: Non-Finnish European, 0.032%; no homozygotes.

Submissions (4):

Labcorp Genetics (formerly Invitae), Labcorp
Classification: Likely benign. Last evaluated: 2026-01-06. Review status: criteria provided, single submitter. Criteria: Invitae Variant Classification Sherloc (09022015). Collection method: clinical testing. Allele origin: germline.

Blueprint Genetics
Classification: Likely benign. Last evaluated: 2024-10-16. Review status: criteria provided, single submitter. Criteria: ACMG Guidelines, 2015. Collection method: clinical testing. Allele origin: germline.

CeGaT Center for Human Genetics Tuebingen
Classification: Likely benign. Last evaluated: 2023-06-01. Review status: criteria provided, single submitter. Criteria: CeGaT Center For Human Genetics Tuebingen Variant Classification Criteria Version 2. Collection method: clinical testing. Allele origin: germline. Affected: yes. Observed: 1 variant allele.
Comment: ASAH1: BP4, BP7

Fulgent Genetics
Classification: Likely benign for Spinal muscular atrophy-progressive myoclonic epilepsy syndrome; Farber lipogranulomatosis. Last evaluated: 2022-03-17. Review status: criteria provided, single submitter. Criteria: ACMG Guidelines, 2015. Collection method: clinical testing. Allele origin: unknown.